The following is an entry in ClinVar:

ClinVar aggregate classification (germline): Uncertain significance. Review status: criteria provided, multiple submitters, no conflicts (2 of 4 stars). 3 submissions from 3 submitters: Uncertain significance (3). Last evaluated 2024-03-06.

Conditions:
Arrhythmogenic cardiomyopathy with wooly hair and keratoderma. Also called: PALMOPLANTAR KERATODERMA WITH LEFT VENTRICULAR CARDIOMYOPATHY AND WOOLLY HAIR; Carvajal syndrome; Dilated cardiomyopathy with woolly hair and keratoderma; Arrhythmogenic cardiomyopathy with woolly hair and keratoderma. Identifiers: Orphanet 65282, MedGen C1854063, MONDO:0011581, OMIM 605676.
Arrhythmogenic right ventricular dysplasia 8 (ARVD8). Also called: Arrhythmogenic Right Ventricular Dysplasia/Cardiomyopathy 8; ARRHYTHMOGENIC RIGHT VENTRICULAR DYSPLASIA, FAMILIAL, 8; ARRHYTHMOGENIC RIGHT VENTRICULAR CARDIOMYOPATHY 8. Identifiers: MedGen C1843896, MONDO:0011831, OMIM 607450.
Cardiomyopathy (CMYO). Also called: Cardiomyopathies. Identifiers: Orphanet 167848, MedGen C0878544, MONDO:0004994, HP:0001638. Inheritance: Various modes of inheritance.
Woolly hair-skin fragility syndrome (WHSF). Identifiers: Orphanet 293165, MedGen C1843292, MONDO:0957307, OMIM 620415.
Cardiomyopathy, dilated, with wooly hair, keratoderma, and tooth agenesis. Also called: Cardiomyopathy, dilated, with woolly hair, keratoderma, and tooth agenesis; Erythrokeratodermia-cardiomyopathy syndrome. Identifiers: Orphanet 476096, Orphanet 65282, MedGen C4014393, MONDO:0014355, OMIM 615821.
Lethal acantholytic epidermolysis bullosa (EBLA). Identifiers: Orphanet 158687, MedGen C1864826, MONDO:0012323, OMIM 609638.
Keratosis palmoplantaris striata 2. Also called: KERATODERMA, PALMOPLANTAR, STRIATE FORM II; STRIATE PALMOPLANTAR KERATODERMA II; Keratosis palmoplantaris striata II. Identifiers: MedGen C1852127, MONDO:0013034, OMIM 612908.

Allele frequency attached by ClinVar (database versions not stated): TOPMed below 0.00001.
gnomAD v4.1: 1 of 1,613,734 alleles (0.000062%); highest among the groups gnomAD compares: Non-Finnish European, 0.000085%; no homozygotes.

Submissions (3):

Color Diagnostics, LLC DBA Color Health
Classification: Uncertain significance for Cardiomyopathy. Last evaluated: 2024-03-06. Review status: criteria provided, single submitter. Criteria: ACMG Guidelines, 2015. Collection method: clinical testing. Allele origin: germline.
Comment: This missense variant replaces leucine with phenylalanine at codon 1007 of the DSP protein. Computational prediction is inconclusive regarding the impact of this variant on protein structure and function (internally defined REVEL score threshold 0.5 < inconclusive < 0.7, PMID: 27666373). Splice site prediction tools suggest that this variant may not impact RNA splicing. To our knowledge, functional studies have not been performed for this variant. This variant has not been reported in individuals affected with cardiovascular disorders in the literature. This variant has not been identified in the general population by the Genome Aggregation Database (gnomAD). The available evidence is insufficient to determine the role of this variant in disease conclusively. Therefore, this variant is classified as a Variant of Uncertain Significance.

Labcorp Genetics (formerly Invitae), Labcorp
Classification: Uncertain significance for Arrhythmogenic cardiomyopathy with wooly hair and keratoderma; Arrhythmogenic right ventricular dysplasia 8. Last evaluated: 2023-09-18. Review status: criteria provided, single submitter. Criteria: Invitae Variant Classification Sherloc (09022015). Collection method: clinical testing. Allele origin: germline.
Comment: This sequence change replaces leucine, which is neutral and non-polar, with phenylalanine, which is neutral and non-polar, at codon 1007 of the DSP protein (p.Leu1007Phe). This variant is not present in population databases (gnomAD no frequency). This variant has not been reported in the literature in individuals affected with DSP-related conditions. ClinVar contains an entry for this variant (Variation ID: 920654). An algorithm developed to predict the effect of missense changes on protein structure and function (PolyPhen-2) suggests that this variant is likely to be disruptive. In summary, the available evidence is currently insufficient to determine the role of this variant in disease. Therefore, it has been classified as a Variant of Uncertain Significance.

Fulgent Genetics
Classification: Uncertain significance for Arrhythmogenic cardiomyopathy with wooly hair and keratoderma; Arrhythmogenic right ventricular dysplasia 8; Lethal acantholytic epidermolysis bullosa; Keratosis palmoplantaris striata 2; Cardiomyopathy, dilated, with wooly hair, keratoderma, and tooth agenesis. Last evaluated: 2021-09-30. Review status: criteria provided, single submitter. Criteria: ACMG Guidelines, 2015. Collection method: clinical testing. Allele origin: unknown.

NM_004415.4(DSP):c.3019C>T (p.Leu1007Phe)

Gene: DSP (desmoplakin; plus strand). Cytogenetic location: 6p24.3.
Variant type: single nucleotide variant.
Coding change: c.3019C>T on transcript NM_004415.4 (MANE Select); coding-DNA position 3019, C replaced by T.
Protein change: p.Leu1007Phe; replaces leucine 1007 with phenylalanine.
Molecular consequence: missense variant.
Genome position (GRCh38, 1-based): chr6:7,578,497, C>T. VCF-style: chr6-7578497-C-T. GRCh37 (hg19) VCF-style: chr6-7578730-C-T.
Other names: c.3019C>T, p.Leu1007Phe (NM_001008844.3, NM_001319034.2); short protein forms L1007F.
Identifiers: ClinVar variation 920654 (VCV000920654.13), dbSNP rs1018173692, ClinGen allele CA133965889.